The following is an entry in ClinVar:

ClinVar aggregate classification (germline): Uncertain significance. Review status: criteria provided, multiple submitters, no conflicts (2 of 4 stars). 2 submissions from 2 submitters: Uncertain significance (2). Last evaluated 2025-12-30.

Conditions:
Inborn genetic diseases. Identifiers: MedGen C0950123, MeSH D030342.

gnomAD v4.1: 12 of 1,614,190 alleles (0.00074%); highest among the groups gnomAD compares: Non-Finnish European, 0.001%; no homozygotes.

Submissions (2):

Ambry Genetics
Classification: Uncertain significance for Inborn genetic diseases. Last evaluated: 2025-12-30. Review status: criteria provided, single submitter. Criteria: Ambry Variant Classification Scheme 2023. Collection method: clinical testing. Allele origin: germline.

Labcorp Genetics (formerly Invitae), Labcorp
Classification: Uncertain significance. Last evaluated: 2025-12-27. Review status: criteria provided, single submitter. Criteria: Invitae Variant Classification Sherloc (09022015). Collection method: clinical testing. Allele origin: germline.
Comment: This sequence change replaces threonine, which is neutral and polar, with methionine, which is neutral and non-polar, at codon 460 of the TAB2 protein (p.Thr460Met). This variant is not present in population databases (gnomAD no frequency). This variant has not been reported in the literature in individuals affected with TAB2-related conditions. Invitae Evidence Modeling of protein sequence and biophysical properties (such as structural, functional, and spatial information, amino acid conservation, physicochemical variation, residue mobility, and thermodynamic stability) has been performed for this missense variant. However, the output from this modeling did not meet the statistical confidence thresholds required to predict the impact of this variant on TAB2 protein function. In summary, the available evidence is currently insufficient to determine the role of this variant in disease. Therefore, it has been classified as a Variant of Uncertain Significance.

NM_001292034.3(TAB2):c.1379C>T (p.Thr460Met)

Genes: TAB2 (TGF-beta activated kinase 1 (MAP3K7) binding protein 2; plus strand), LOC126859827 (BRD4-independent group 4 enhancer GRCh37_chr6:149699707-149700906; plus strand). Cytogenetic location: 6q25.1.
Variant type: single nucleotide variant.
Coding change: c.1379C>T on transcript NM_001292034.3 (MANE Select); coding-DNA position 1379, C replaced by T.
Protein change: p.Thr460Met; replaces threonine 460 with methionine.
Molecular consequence: missense variant.
Genome position (GRCh38, 1-based): chr6:149,379,294, C>T. VCF-style: chr6-149379294-C-T. GRCh37 (hg19) VCF-style: chr6-149700430-C-T.
Other names: c.1283C>T, p.Thr428Met (NM_001292035.3); c.1379C>T, p.Thr460Met (NM_001369506.1, NM_015093.6); c.1379C>T (NM_015093.4); short protein forms T460M, T428M.
Identifiers: ClinVar variation 4749906 (VCV004749906.2).